The following is an entry in ClinVar:

NM_032043.3(BRIP1):c.986A>G (p.Gln329Arg)

Gene: BRIP1 (BRCA1 interacting DNA helicase 1; minus strand). Cytogenetic location: 17q23.2.
Variant type: single nucleotide variant.
Coding change: c.986A>G on transcript NM_032043.3 (MANE Select); coding-DNA position 986, A replaced by G.
Protein change: p.Gln329Arg; replaces glutamine 329 with arginine.
Molecular consequence: missense variant.
Genome position (GRCh38, 1-based): chr17:61,801,407, T>C on the plus strand (A>G on the coding strand, the complement: BRIP1 is on the minus strand). VCF-style: chr17-61801407-T-C. GRCh37 (hg19) VCF-style: chr17-59878768-T-C.
Other names: short protein forms Q329R.
Identifiers: ClinVar variation 823521 (VCV000823521.18), dbSNP rs778863018, ClinGen allele CA8690820.

ClinVar aggregate classification (germline): Uncertain significance. Review status: criteria provided, multiple submitters, no conflicts (2 of 4 stars). 3 submissions from 3 submitters: Uncertain significance (3). Last evaluated 2025-06-02.

Conditions:
Hereditary cancer-predisposing syndrome. Also called: Hereditary Cancer Syndrome; Neoplastic Syndromes, Hereditary; Hereditary neoplastic syndrome; Tumor predisposition. Identifiers: Orphanet 140162, MedGen C0027672, MeSH D009386, MONDO:0015356.
Familial cancer of breast. Also called: Hereditary breast cancer; hereditary breast carcinoma; BREAST CANCER, FAMILIAL. Identifiers: Orphanet 227535, MedGen C0346153, MONDO:0016419, OMIM 114480. Disease mechanism: loss of function.
Fanconi anemia complementation group J. Also called: BRIP1-Related Fanconi Anemia. Identifiers: Orphanet 84, MedGen C1836860, MONDO:0012187, OMIM 609054.

Allele frequency attached by ClinVar (database versions not stated): gnomAD exomes below 0.00001; ExAC 0.00001.

Submissions (3):

Ambry Genetics
Classification: Uncertain significance for Hereditary cancer-predisposing syndrome. Last evaluated: 2025-06-02. Review status: criteria provided, single submitter. Criteria: Ambry Variant Classification Scheme 2023. Collection method: clinical testing. Allele origin: germline.
Comment: The p.Q329R variant (also known as c.986A>G), located in coding exon 7 of the BRIP1 gene, results from an A to G substitution at nucleotide position 986. The glutamine at codon 329 is replaced by arginine, an amino acid with highly similar properties. This amino acid position is not well conserved in available vertebrate species. In addition, this alteration is predicted to be tolerated by in silico analysis. Since supporting evidence is limited at this time, the clinical significance of this alteration remains unclear.

Labcorp Genetics (formerly Invitae), Labcorp
Classification: Uncertain significance for Familial cancer of breast; Fanconi anemia complementation group J. Last evaluated: 2025-01-07. Review status: criteria provided, single submitter. Criteria: Invitae Variant Classification Sherloc (09022015). Collection method: clinical testing. Allele origin: germline.
Comment: This sequence change replaces glutamine, which is neutral and polar, with arginine, which is basic and polar, at codon 329 of the BRIP1 protein (p.Gln329Arg). This variant is present in population databases (rs778863018, gnomAD 0.003%). This variant has not been reported in the literature in individuals affected with BRIP1-related conditions. ClinVar contains an entry for this variant (Variation ID: 823521). Invitae Evidence Modeling of protein sequence and biophysical properties (such as structural, functional, and spatial information, amino acid conservation, physicochemical variation, residue mobility, and thermodynamic stability) indicates that this missense variant is not expected to disrupt BRIP1 protein function with a negative predictive value of 95%. In summary, the available evidence is currently insufficient to determine the role of this variant in disease. Therefore, it has been classified as a Variant of Uncertain Significance.

Color Diagnostics, LLC DBA Color Health
Classification: Uncertain significance for Hereditary cancer-predisposing syndrome. Last evaluated: 2024-03-06. Review status: criteria provided, single submitter. Criteria: ACMG Guidelines, 2015. Collection method: clinical testing. Allele origin: germline.
Comment: This missense variant replaces glutamine with arginine at codon 329 of the BRIP1 protein. Computational prediction suggests that this variant may not impact protein structure and function (internally defined REVEL score threshold <= 0.5, PMID: 27666373). To our knowledge, functional studies have not been reported for this variant. This variant has not been reported in individuals affected with hereditary cancer in the literature. This variant has been identified in 1/251264 chromosomes in the general population by the Genome Aggregation Database (gnomAD). The available evidence is insufficient to determine the role of this variant in disease conclusively. Therefore, this variant is classified as a Variant of Uncertain Significance.